The following is an entry in ClinVar:

NM_017654.4(SAMD9):c.3331A>G (p.Ile1111Val)

Gene: SAMD9 (sterile alpha motif domain containing 9; minus strand). Cytogenetic location: 7q21.2.
Variant type: single nucleotide variant.
Coding change: c.3331A>G on transcript NM_017654.4 (MANE Select); coding-DNA position 3331, A replaced by G.
Protein change: p.Ile1111Val; replaces isoleucine 1111 with valine.
Molecular consequence: missense variant.
Genome position (GRCh38, 1-based): chr7:93,102,767, T>C on the plus strand (A>G on the coding strand, the complement: SAMD9 is on the minus strand). VCF-style: chr7-93102767-T-C. GRCh37 (hg19) VCF-style: chr7-92732080-T-C.
Other names: c.3331A>G, p.Ile1111Val (NM_001193307.2); short protein forms I1111V.
Identifiers: ClinVar variation 3437110 (VCV003437110.1).

ClinVar aggregate classification (germline): Uncertain significance (1 of 4 stars; one submission).

Conditions:
Inborn genetic diseases. Identifiers: MedGen C0950123, MeSH D030342.

Submission:

Ambry Genetics
Classification: Uncertain significance for Inborn genetic diseases. Last evaluated: 2024-12-09. Review status: criteria provided, single submitter. Criteria: Ambry Variant Classification Scheme 2023. Collection method: clinical testing. Allele origin: germline.
Comment: The p.I1111V variant (also known as c.3331A>G), located in coding exon 1 of the SAMD9 gene, results from an A to G substitution at nucleotide position 3331. The isoleucine at codon 1111 is replaced by valine, an amino acid with highly similar properties. This amino acid position is conserved. In addition, this alteration is predicted to be tolerated by in silico analysis. Based on the available evidence, the clinical significance of this variant remains unclear.